The following is an entry in ClinVar:

ClinVar aggregate classification (germline): Pathogenic/Likely pathogenic. Review status: criteria provided, multiple submitters, no conflicts (2 of 4 stars). 3 submissions from 3 submitters: Pathogenic (2); Likely pathogenic (1). Last evaluated 2024-10-15.

Conditions:
Hereditary cancer-predisposing syndrome. Also called: Hereditary Cancer Syndrome; Neoplastic Syndromes, Hereditary; Tumor predisposition; Hereditary neoplastic syndrome. Identifiers: Orphanet 140162, MedGen C0027672, MeSH D009386, MONDO:0015356.
Familial cancer of breast. Also called: BREAST CANCER, FAMILIAL; Hereditary breast cancer; hereditary breast carcinoma. Identifiers: Orphanet 227535, MedGen C0346153, MONDO:0016419, OMIM 114480. Disease mechanism: loss of function.

Submissions (3):

Ambry Genetics
Classification: Pathogenic for Hereditary cancer-predisposing syndrome. Last evaluated: 2024-10-15. Review status: criteria provided, single submitter. Criteria: Ambry Variant Classification Scheme 2023. Collection method: clinical testing. Allele origin: germline.
Comment: The c.8076dupA pathogenic mutation, located in coding exon 54 of the ATM gene, results from a duplication of A at nucleotide position 8076, causing a translational frameshift with a predicted alternate stop codon (p.A2693Sfs*25). This variant is considered to be rare based on population cohorts in the Genome Aggregation Database (gnomAD). This alteration is expected to result in loss of function by premature protein truncation or nonsense-mediated mRNA decay. As such, this alteration is interpreted as a disease-causing mutation.

Myriad Genetics, Inc.
Classification: Pathogenic for Familial cancer of breast. Last evaluated: 2024-02-01. Review status: criteria provided, single submitter. Criteria: Myriad Autosomal Dominant, Autosomal Recessive and X-Linked Classification Criteria (2023). Collection method: clinical testing. Allele origin: unknown.
Comment: This variant is considered pathogenic. This variant creates a frameshift predicted to result in premature protein truncation.

GeneDx
Classification: Likely pathogenic. Last evaluated: 2017-08-11. Review status: criteria provided, single submitter. Criteria: GeneDx Variant Classification (06012015). Collection method: clinical testing. Allele origin: germline. Affected: yes.
Comment: This duplication of one nucleotide in ATM is denoted c.8076dupA at the cDNA level and p.Ala2693SerfsX25 (A2693SfsX25) at the protein level. The normal sequence, with the base that is duplicated in brackets, is GCTT[dupA]GCAG. The duplication causes a frameshift which changes an Alanine to a Serine at codon 2693, and creates a premature stop codon at position 25 of the new reading frame. Although this variant has not, to our knowledge, been reported in the literature, it is predicted to cause loss of normal protein function through either protein truncation or nonsense-mediated mRNA decay. Based on the currently available information, we consider this duplication to be a likely pathogenic variant.

NM_000051.4(ATM):c.8076dup (p.Ala2693fs)

Genes: ATM (ATM serine/threonine kinase; plus strand), C11orf65 (chromosome 11 open reading frame 65; minus strand). Cytogenetic location: 11q22.3.
Variant type: Duplication.
Coding change: c.8076dup on transcript NM_000051.4 (MANE Select); coding-DNA position 8076, one base duplicated (A; older notation c.8076dupA).
Protein change: p.Ala2693fs; shifts the reading frame from alanine 2693.
Molecular consequence: frameshift variant. On other transcripts: intron variant (2).
Genome position (GRCh38, 1-based): chr11:108,335,034, A duplicated. VCF-style (leftmost placement, unchanged base first): chr11-108335033-T-TA. GRCh37 (hg19) VCF-style: chr11-108205760-T-TA.
Other names: c.8076dupA (NM_000051.3); c.8076dup, p.Ala2693fs (NM_001351834.2); c.641-25963dup (NM_001330368.2); c.*38+186dup (NM_001351110.2); short protein forms A2693fs.
Identifiers: ClinVar variation 545750 (VCV000545750.6), dbSNP rs1555127151, ClinGen allele CA658821320.